The following is an entry in ClinVar:

NM_000041.4(APOE):c.316G>A (p.Glu106Lys)

Gene: APOE (apolipoprotein E; plus strand). Cytogenetic location: 19q13.32.
Variant type: single nucleotide variant.
Coding change: c.316G>A on transcript NM_000041.4 (MANE Select); coding-DNA position 316, G replaced by A.
Protein change: p.Glu106Lys; replaces glutamic acid 106 with lysine.
Molecular consequence: missense variant.
Genome position (GRCh38, 1-based): chr19:44,908,612, G>A. VCF-style: chr19-44908612-G-A. GRCh37 (hg19) VCF-style: chr19-45411869-G-A.
Other names: c.394G>A, p.Glu132Lys (NM_001302688.2); c.316G>A, p.Glu106Lys (NM_001302689.2, NM_001302690.2, NM_001302691.2); short protein forms E106K, E132K.
Identifiers: ClinVar variation 4613736 (VCV004613736.2).

ClinVar aggregate classification (germline): Uncertain significance (1 of 4 stars; one submission).

Conditions:
Cardiovascular phenotype. Identifiers: MedGen CN230736.

Submission:

Ambry Genetics
Classification: Uncertain significance for Cardiovascular phenotype. Last evaluated: 2026-04-23. Review status: criteria provided, single submitter. Criteria: Ambry Variant Classification Scheme 2023. Collection method: clinical testing. Allele origin: germline.
Comment: The p.E106K variant (also known as c.316G>A), located in coding exon 3 of the APOE gene, results from a G to A substitution at nucleotide position 316. The glutamic acid at codon 106 is replaced by lysine, an amino acid with similar properties. This amino acid position is conserved. In addition, this alteration is predicted to be tolerated by in silico analysis. Based on the available evidence, the clinical significance of this variant remains unclear.